The following is an entry in ClinVar:

ClinVar aggregate classification (germline): Pathogenic (1 of 4 stars; one submission).

Conditions:
L1 syndrome. Identifiers: Orphanet 275543, MedGen C5779710, MONDO:0017140.

Submission:

Myriad Genetics, Inc.
Classification: Pathogenic for L1 syndrome. Last evaluated: 2025-01-21. Review status: criteria provided, single submitter. Criteria: Myriad Autosomal Dominant, Autosomal Recessive and X-Linked Classification Criteria (2023). Collection method: clinical testing. Allele origin: unknown.
Comment: NM_001278116.1(L1CAM):c.3196C>T(Q1066*) is expected to be pathogenic in the context of L1 syndrome. This variant is predicted to lead to an abnormal or absent protein product due to the creation of a premature termination codon in L1CAM, a gene where loss-of-function variants are known to be pathogenic. Please note: this variant was assessed in the context of healthy population screening.

NM_001278116.2(L1CAM):c.3196C>T (p.Gln1066Ter)

Gene: L1CAM (L1 cell adhesion molecule; minus strand). Cytogenetic location: Xq28.
Variant type: single nucleotide variant.
Coding change: c.3196C>T on transcript NM_001278116.2 (MANE Select); coding-DNA position 3196, C replaced by T.
Protein change: p.Gln1066Ter; replaces glutamine 1066 with a stop codon.
Molecular consequence: nonsense.
Genome position (GRCh38, 1-based): chrX:153,864,448, G>A on the plus strand (C>T on the coding strand, the complement: L1CAM is on the minus strand). VCF-style: chrX-153864448-G-A. GRCh37 (hg19) VCF-style: chrX-153129903-G-A.
Other names: c.3196C>T, p.Gln1066Ter (NM_000425.5, NM_024003.3); c.3181C>T, p.Gln1061Ter (NM_001143963.2); short protein forms Q1061*, Q1066*.
Identifiers: ClinVar variation 5013993 (VCV005013993.1).
Genomic context (GRCh38, chrX:153,864,448, plus strand): 5'-AGTCAGTGTCAGGCTGCAGGTCCCACTGCGTGTAGGAGCTCTGGTTGTAGCTGACATACT[G>A]TGGCGAAAGGGAAGCCCCACCCTTCTCTTCTGCCAGGGAGAGAGGGTGGCAGCAGGGGTG-3'